The following is an entry in ClinVar:

ClinVar aggregate classification (germline): Likely benign (1 of 4 stars; one submission).

Allele frequency attached by ClinVar (database versions not stated): gnomAD 0.00007; ExAC 0.00008; ESP Exome Variant Server 0.00008; TOPMed 0.00009; gnomAD exomes 0.00017; 1000 Genomes Project 0.00020; 1000 Genomes Project 30x 0.00031.
gnomAD v4.1: 257 of 1,604,778 alleles (0.016%); highest among the groups gnomAD compares: Middle Eastern, 0.066%; 1 homozygote.

Submission:

CeGaT Center for Human Genetics Tuebingen
Classification: Likely benign. Last evaluated: 2023-03-01. Review status: criteria provided, single submitter. Criteria: CeGaT Center For Human Genetics Tuebingen Variant Classification Criteria Version 2. Collection method: clinical testing. Allele origin: germline. Affected: yes. Observed: 1 variant allele.
Comment: CDH11: BP4, BP7

NM_001797.4(CDH11):c.2382C>T (p.Asp794=)

Gene: CDH11 (cadherin 11; minus strand). Cytogenetic location: 16q21.
Variant type: single nucleotide variant.
Coding change: c.2382C>T on transcript NM_001797.4 (MANE Select); coding-DNA position 2382, C replaced by T.
Protein change: p.Asp794=; no amino-acid change (aspartic acid 794 retained).
Molecular consequence: synonymous variant. On other transcripts: 3 prime UTR variant (1).
Genome position (GRCh38, 1-based): chr16:64,947,612, G>A on the plus strand (C>T on the coding strand, the complement: CDH11 is on the minus strand). VCF-style: chr16-64947612-G-A. GRCh37 (hg19) VCF-style: chr16-64981515-G-A.
Other names: c.*479C>T (NM_001308392.2); c.2004C>T, p.Asp668= (NM_001330576.2).
Identifiers: ClinVar variation 2646585 (VCV002646585.24), dbSNP rs377222713, ClinGen allele CA8091808.